The following is an entry in ClinVar:

NM_153006.3(NAGS):c.562dup (p.Ser188fs)

Gene: NAGS (N-acetylglutamate synthase; plus strand). Cytogenetic location: 17q21.31.
Variant type: Duplication.
Coding change: c.562dup on transcript NM_153006.3 (MANE Select); coding-DNA position 562, one base duplicated (T; older notation c.562dupT).
Protein change: p.Ser188fs; shifts the reading frame from serine 188.
Molecular consequence: frameshift variant.
Genome position (GRCh38, 1-based): chr17:44,005,772, T duplicated; the last of 3 consecutive T bases (chr17:44,005,770-44,005,772); duplicating any one gives the same sequence. VCF-style (leftmost placement, unchanged base first): chr17-44005769-C-CT. GRCh37 (hg19) VCF-style: chr17-42083137-C-CT.
Other names: short protein forms S188fs.
Identifiers: ClinVar variation 2849686 (VCV002849686.3), dbSNP rs2509279497, ClinGen allele CA2739267558.

ClinVar aggregate classification (germline): Pathogenic (1 of 4 stars; one submission).

Conditions:
Hyperammonemia, type III (NAGSD). Also called: Hyperammonemia due to N-acetylglutamate synthase deficiency. Identifiers: Orphanet 927, MedGen C0268543, MONDO:0009377, OMIM 237310.

Submission:

Labcorp Genetics (formerly Invitae), Labcorp
Classification: Pathogenic for Hyperammonemia, type III. Last evaluated: 2023-03-26. Review status: criteria provided, single submitter. Criteria: Invitae Variant Classification Sherloc (09022015). Collection method: clinical testing. Allele origin: germline.
Comment: For these reasons, this variant has been classified as Pathogenic. This variant has not been reported in the literature in individuals affected with NAGS-related conditions. This variant is not present in population databases (gnomAD no frequency). This sequence change creates a premature translational stop signal (p.Ser188Phefs*108) in the NAGS gene. It is expected to result in an absent or disrupted protein product. Loss-of-function variants in NAGS are known to be pathogenic (PMID: 12594532).

Literature cited by the submitters: PubMed 12594532.